The following is an entry in ClinVar:

NC_000009.11:g.(?_130605373)_(130605524_?)dup

Gene: ENG (endoglin; minus strand). Cytogenetic location: 9q34.11.
Variant type: Duplication.
Identifiers: ClinVar variation 417399 (VCV000417399.1).

ClinVar aggregate classification (germline): Likely pathogenic (1 of 4 stars; one submission).

Conditions:
Telangiectasia, hereditary hemorrhagic, type 1 (HHT1). Also called: ENG-Related Hereditary Hemorrhagic Telangiectasia; Osler Weber Rendu syndrome type 1. Identifiers: Orphanet 774, MedGen C4551861, MONDO:0008535, OMIM 187300. Disease mechanism: loss of function.

Submission:

Labcorp Genetics (formerly Invitae), Labcorp
Classification: Likely pathogenic for Hereditary hemorrhagic telangiectasia. Last evaluated: 2016-05-26. Review status: criteria provided, single submitter. Criteria: Invitae Variant Classification Sherloc (09022015). Collection method: clinical testing. Allele origin: germline.
Comment: This variant is a gross duplication of the genomic region encompassing exon 2 of the ENG gene. While the exact position of the duplicated exons cannot be determined from this data, the duplicated copy of this region is likely in tandem and may result in an absent or disrupted protein product because it would be out-of-frame. While this particular variant has not been reported in the literature, truncating variants in ENG are known to be pathogenic (PMID: 21158752, 12673790). In summary, sub-genic duplications are generally in tandem (PMID: 25640679), and result in an absent or disrupted protein. However, the exact location of this duplication has not been confirmed. Therefore, it has been classified as Likely Pathogenic.